The following is an entry in ClinVar:

ClinVar aggregate classification (germline): Uncertain significance. Review status: criteria provided, single submitter (1 of 4 stars). 2 submissions from 2 submitters: Uncertain significance (1). 1 of the submissions does not count toward it. Last evaluated 2025-12-16.

Conditions:
Retinoblastoma (RB1). Also called: RETINOBLASTOMA, SOMATIC. Identifiers: Orphanet 790, MedGen C0035335, MeSH D012175, MONDO:0008380, OMIM 180200, HP:0009919. Disease mechanism: loss of function. Inheritance: Both sporadic and heritable forms are tested..
Lip and oral cavity carcinoma. Identifiers: MedGen C0220641, MONDO:0023644.

Submissions (2):

Labcorp Genetics (formerly Invitae), Labcorp
Classification: Uncertain significance for Retinoblastoma. Last evaluated: 2025-12-16. Review status: criteria provided, single submitter. Criteria: Invitae Variant Classification Sherloc (09022015). Collection method: clinical testing. Allele origin: germline.
Comment: This sequence change replaces isoleucine, which is neutral and non-polar, with threonine, which is neutral and polar, at codon 680 of the RB1 protein (p.Ile680Thr). This variant is not present in population databases (gnomAD no frequency). This variant has not been reported in the literature in individuals affected with RB1-related conditions. ClinVar contains an entry for this variant (Variation ID: 977767). Invitae Evidence Modeling of protein sequence and biophysical properties (such as structural, functional, and spatial information, amino acid conservation, physicochemical variation, residue mobility, and thermodynamic stability) has been performed for this missense variant. However, the output from this modeling did not meet the statistical confidence thresholds required to predict the impact of this variant on RB1 protein function. In summary, the available evidence is currently insufficient to determine the role of this variant in disease. Therefore, it has been classified as a Variant of Uncertain Significance.

Institute of Medical Sciences, Banaras Hindu University
Classification: Pathogenic for Lip and oral cavity carcinoma. Last evaluated: 2019-04-30. Review status: no assertion criteria provided. Collection method: research. Allele origin: somatic. Affected: yes. Not counted in ClinVar's aggregate classification.

Literature cited by the submitters: PubMed 31775759 (cited by Institute of Medical Sciences, Banaras Hindu University).

NM_000321.3(RB1):c.2039T>C (p.Ile680Thr)

Gene: RB1 (RB transcriptional corepressor 1; plus strand). Cytogenetic location: 13q14.2.
Variant type: single nucleotide variant.
Coding change: c.2039T>C on transcript NM_000321.3 (MANE Select); coding-DNA position 2039, T replaced by C.
Protein change: p.Ile680Thr; replaces isoleucine 680 with threonine.
Molecular consequence: missense variant.
Genome position (GRCh38, 1-based): chr13:48,459,766, T>C. VCF-style: chr13-48459766-T-C. GRCh37 (hg19) VCF-style: chr13-49033902-T-C.
Other names: short protein forms I680T.
Identifiers: ClinVar variation 977767 (VCV000977767.2), dbSNP rs1949384455, ClinGen allele CA388166821.